The following is an entry in ClinVar:

ClinVar aggregate classification (germline): Uncertain significance (1 of 4 stars; one submission).

Conditions:
Episodic ataxia type 2 (EA2). Also called: ACETAZOLAMIDE-RESPONSIVE HEREDITARY PAROXYSMAL CEREBELLAR ATAXIA; ATAXIA, EPISODIC, WITH NYSTAGMUS; ATAXIA, FAMILIAL PAROXYSMAL; CEREBELLAR ATAXIA, PAROXYSMAL, ACETAZOLAMIDE-RESPONSIVE; CEREBELLOPATHY, HEREDITARY PAROXYSMAL; EPISODIC ATAXIA, NYSTAGMUS-ASSOCIATED. Identifiers: Orphanet 97, MedGen C1720416, MONDO:0007163, OMIM 108500.
Developmental and epileptic encephalopathy, 42 (DEE42A). Also called: Epileptic encephalopathy, early infantile, 42; DEVELOPMENTAL AND EPILEPTIC ENCEPHALOPATHY 42A; EPILEPTIC ENCEPHALOPATHY, EARLY INFANTILE, 42A. Identifiers: MedGen C4310716, MONDO:0014917, OMIM 617106.

gnomAD v4.1: 2 of 1,574,264 alleles (0.00013%); highest among the groups gnomAD compares: Non-Finnish European, 0.00017%; no homozygotes.

Submission:

Labcorp Genetics (formerly Invitae), Labcorp
Classification: Uncertain significance for Developmental and epileptic encephalopathy, 42; Episodic ataxia type 2. Last evaluated: 2024-04-05. Review status: criteria provided, single submitter. Criteria: Invitae Variant Classification Sherloc (09022015). Collection method: clinical testing. Allele origin: germline.
Comment: This sequence change replaces histidine, which is basic and polar, with glutamine, which is neutral and polar, at codon 2259 of the CACNA1A protein (p.His2259Gln). This variant is present in population databases (no rsID available, gnomAD 0.001%). This variant has not been reported in the literature in individuals affected with CACNA1A-related conditions. Advanced modeling of protein sequence and biophysical properties (such as structural, functional, and spatial information, amino acid conservation, physicochemical variation, residue mobility, and thermodynamic stability) performed at Invitae indicates that this missense variant is not expected to disrupt CACNA1A protein function with a negative predictive value of 95%. In summary, the available evidence is currently insufficient to determine the role of this variant in disease. Therefore, it has been classified as a Variant of Uncertain Significance.

NM_001127222.2(CACNA1A):c.6774C>G (p.His2258Gln)

Genes: CACNA1A (calcium voltage-gated channel subunit alpha1 A; minus strand), LOC130063717 (ATAC-STARR-seq lymphoblastoid silent region 10203; plus strand). Cytogenetic location: 19p13.13.
Variant type: single nucleotide variant.
Coding change: c.6774C>G on transcript NM_001127222.2 (MANE Select); coding-DNA position 6774, C replaced by G.
Protein change: p.His2258Gln; replaces histidine 2258 with glutamine.
Molecular consequence: missense variant.
Genome position (GRCh38, 1-based): chr19:13,208,762, G>C on the plus strand (C>G on the coding strand, the complement: CACNA1A is on the minus strand). VCF-style: chr19-13208762-G-C. GRCh37 (hg19) VCF-style: chr19-13319576-G-C.
Other names: c.6792C>G, p.His2264Gln (NM_000068.4, NM_023035.3); c.6777C>G, p.His2259Gln (NM_001127221.2); c.6783C>G, p.His2261Gln (NM_001174080.2); short protein forms H2264Q, H2258Q, H2259Q, H2261Q.
Identifiers: ClinVar variation 3748103 (VCV003748103.2).